The following is an entry in ClinVar:

ClinVar aggregate classification (germline): Pathogenic (1 of 4 stars; one submission).

Submission:

Labcorp Genetics (formerly Invitae), Labcorp
Classification: Pathogenic. Last evaluated: 2022-07-14. Review status: criteria provided, single submitter. Criteria: Invitae Variant Classification Sherloc (09022015). Collection method: clinical testing. Allele origin: germline.
Comment: This sequence change creates a premature translational stop signal (p.Phe744Leufs*2) in the KAT6A gene. It is expected to result in an absent or disrupted protein product. Loss-of-function variants in KAT6A are known to be pathogenic (PMID: 25728775, 25728777, 27133397). This variant is not present in population databases (gnomAD no frequency). This variant has not been reported in the literature in individuals affected with KAT6A-related conditions. For these reasons, this variant has been classified as Pathogenic.

Literature cited by the submitters: PubMed 25728775; PubMed 25728777; PubMed 27133397.

NM_006766.5(KAT6A):c.2232del (p.Phe744fs)

Gene: KAT6A (lysine acetyltransferase 6A; minus strand). Cytogenetic location: 8p11.21.
Variant type: Deletion.
Coding change: c.2232del on transcript NM_006766.5 (MANE Select); coding-DNA position 2232, one base deleted (T; older notation c.2232delT).
Protein change: p.Phe744fs; shifts the reading frame from phenylalanine 744.
Molecular consequence: frameshift variant.
Genome position (GRCh38, 1-based): chr8:41,942,997, A deleted on the plus strand (T on the coding strand, the reverse complement: KAT6A is on the minus strand); the first of 3 consecutive A bases (chr8:41,942,997-41,942,999); deleting any one gives the same sequence. VCF-style (leftmost placement, unchanged base first): chr8-41942996-CA-C. GRCh37 (hg19) VCF-style: chr8-41800514-CA-C.
Other names: c.2232del, p.Phe744fs (NM_001305878.2); short protein forms F744fs.
Identifiers: ClinVar variation 2135274 (VCV002135274.4), dbSNP rs2486775405, ClinGen allele CA2580078312.